The following is an entry in ClinVar:

ClinVar aggregate classification (germline): Uncertain significance (1 of 4 stars; one submission).

Submission:

Ambry Genetics
Classification: Uncertain significance. Last evaluated: 2025-08-02. Review status: criteria provided, single submitter. Criteria: Ambry Variant Classification Scheme 2023. Collection method: clinical testing. Allele origin: germline.
Comment: The p.E520G variant (also known as c.1559A>G), located in coding exon 1 of the MLH3 gene, results from an A to G substitution at nucleotide position 1559. The glutamic acid at codon 520 is replaced by glycine, an amino acid with similar properties. This amino acid position is conserved. In addition, this alteration is predicted to be tolerated by in silico analysis. Based on the available evidence, the clinical significance of this variant remains unclear.

NM_001040108.2(MLH3):c.1559A>G (p.Glu520Gly)

Gene: MLH3 (mutL homolog 3; minus strand). Cytogenetic location: 14q24.3.
Variant type: single nucleotide variant.
Coding change: c.1559A>G on transcript NM_001040108.2 (MANE Select); coding-DNA position 1559, A replaced by G.
Protein change: p.Glu520Gly; replaces glutamic acid 520 with glycine.
Molecular consequence: missense variant.
Genome position (GRCh38, 1-based): chr14:75,048,097, T>C on the plus strand (A>G on the coding strand, the complement: MLH3 is on the minus strand). VCF-style: chr14-75048097-T-C. GRCh37 (hg19) VCF-style: chr14-75514800-T-C.
Other names: c.1559A>G, p.Glu520Gly (NM_014381.3); short protein forms E520G.
Identifiers: ClinVar variation 4108656 (VCV004108656.1).